The following is an entry in ClinVar:

NM_001433705.1(NLRP5):c.2582T>C (p.Met861Thr)

Gene: NLRP5 (NLR family pyrin domain containing 5; plus strand). Cytogenetic location: 19q13.43.
Variant type: single nucleotide variant.
Coding change: c.2582T>C on transcript NM_001433705.1 (MANE Select); coding-DNA position 2582, T replaced by C.
Protein change: p.Met861Thr; replaces methionine 861 with threonine.
Molecular consequence: missense variant.
Genome position (GRCh38, 1-based): chr19:56,038,144, T>C. VCF-style: chr19-56038144-T-C. GRCh37 (hg19) VCF-style: chr19-56549510-T-C.
Other names: NM_153447.4:c.2735T>C; short protein forms M861T.
Identifiers: ClinVar variation 3059538 (VCV003059538.2), dbSNP rs16986899, ClinGen allele CA9685989.

ClinVar aggregate classification (germline): Benign (0 of 4 stars; one submission).

Conditions:
NLRP5-related disorder. Also called: NLRP5-related condition.

Allele frequency attached by ClinVar (database versions not stated): TOPMed 0.25253; ExAC 0.19940; 1000 Genomes Project 0.26498; 1000 Genomes Project 30x 0.26765; ESP Exome Variant Server 0.23937; gnomAD 0.24527.

Submission:

PreventionGenetics, part of Exact Sciences
Classification: Benign for NLRP5-related condition. Last evaluated: 2024-01-05. Review status: no assertion criteria provided. Collection method: clinical testing. Allele origin: germline.
Comment: This variant is classified as benign based on ACMG/AMP sequence variant interpretation guidelines (Richards et al. 2015 PMID: 25741868, with internal and published modifications).